The following is an entry in ClinVar:

ClinVar aggregate classification (germline): Uncertain significance (1 of 4 stars; one submission).

Conditions:
Myopathy, centronuclear, 2 (CNM2). Also called: MYOTUBULAR MYOPATHY, AUTOSOMAL RECESSIVE. Identifiers: Orphanet 169186, MedGen CN031787, MONDO:0009709, OMIM 255200.

Allele frequency attached by ClinVar (database versions not stated): gnomAD 0.00001; ExAC 0.00003; gnomAD exomes 0.00001; TOPMed 0.00001.

Submission:

Labcorp Genetics (formerly Invitae), Labcorp
Classification: Uncertain significance for Myopathy, centronuclear, 2. Last evaluated: 2020-10-14. Review status: criteria provided, single submitter. Criteria: Invitae Variant Classification Sherloc (09022015). Collection method: clinical testing. Allele origin: germline.
Comment: In summary, the available evidence is currently insufficient to determine the role of this variant in disease. Therefore, it has been classified as a Variant of Uncertain Significance. Algorithms developed to predict the effect of missense changes on protein structure and function (SIFT, PolyPhen-2, Align-GVGD) all suggest that this variant is likely to be tolerated, but these predictions have not been confirmed by published functional studies and their clinical significance is uncertain. This sequence change replaces proline with serine at codon 316 of the BIN1 protein (p.Pro316Ser). The proline residue is moderately conserved and there is a moderate physicochemical difference between proline and serine. This variant is present in population databases (rs748381039, ExAC 0.005%). This variant has not been reported in the literature in individuals with BIN1-related conditions.

NM_139343.3(BIN1):c.946C>T (p.Pro316Ser)

Gene: BIN1 (bridging integrator 1; minus strand). Cytogenetic location: 2q14.3.
Variant type: single nucleotide variant.
Coding change: c.946C>T on transcript NM_139343.3 (MANE Select); coding-DNA position 946, C replaced by T.
Protein change: p.Pro316Ser; replaces proline 316 with serine.
Molecular consequence: missense variant.
Genome position (GRCh38, 1-based): chr2:127,059,067, G>A on the plus strand (C>T on the coding strand, the complement: BIN1 is on the minus strand). VCF-style: chr2-127059067-G-A. GRCh37 (hg19) VCF-style: chr2-127816643-G-A.
Other names: c.898C>T, p.Pro300Ser (NM_001320632.2, NM_004305.4, NM_139346.3); c.946C>T, p.Pro316Ser (NM_001320633.2, NM_001320640.2, NM_139344.3 and 1 more transcripts); c.781C>T, p.Pro261Ser (NM_001320634.1); c.853C>T, p.Pro285Ser (NM_001320641.2, NM_139347.3, NM_139348.3 and 3 more transcripts); c.865C>T, p.Pro289Ser (NM_001320642.1); short protein forms P289S, P300S, P316S, P285S, P261S.
Identifiers: ClinVar variation 1047350 (VCV001047350.8), dbSNP rs748381039, ClinGen allele CA1857230.